The following is an entry in ClinVar:

ClinVar aggregate classification (germline): Uncertain significance. Review status: criteria provided, multiple submitters, no conflicts (2 of 4 stars). 6 submissions from 6 submitters: Uncertain significance (6). Last evaluated 2025-08-28.

Conditions:
Cardiovascular phenotype. Identifiers: MedGen CN230736.
Dilated cardiomyopathy 1G (CMD1G). Identifiers: Orphanet 154, MedGen C1858763, MONDO:0011400, OMIM 604145.
Autosomal recessive limb-girdle muscular dystrophy type 2J (LGMDR10). Also called: Limb-girdle muscular dystrophy, type 2J; MUSCULAR DYSTROPHY, LIMB-GIRDLE, AUTOSOMAL RECESSIVE 10. Identifiers: Orphanet 140922, MedGen C1837342, MONDO:0012127, OMIM 608807.
TTN-related disorder. Also called: TTN-related disorders; TTN-related condition; TTN-related disease.
Early-onset myopathy with fatal cardiomyopathy (CMYO5). Also called: Salih Myopathy; CONGENITAL MYOPATHY 5 WITH CARDIOMYOPATHY. Identifiers: Orphanet 289377, MedGen C2673677, MONDO:0012714, OMIM 611705. Disease mechanism: loss of function.
Tibial muscular dystrophy (TMD). Also called: UDD MYOPATHY; Tibial muscular dystrophy, tardive; Udd Distal Myopathy – Tibial Muscular Dystrophy. Identifiers: Orphanet 609, MedGen C1838244, MONDO:0010870, OMIM 600334.
Myopathy, myofibrillar, 9, with early respiratory failure (MFM9). Also called: Hereditary myopathy with early respiratory failure; MYOPATHY, PROXIMAL, WITH EARLY RESPIRATORY MUSCLE INVOLVEMENT; Myopathy, distal, with early respiratory failure, autosomal dominant; EDSTROM MYOPATHY. Identifiers: Orphanet 178464, Orphanet 34521, MedGen C1863599, MONDO:0011362, OMIM 603689.
Hypertrophic cardiomyopathy 9. Also called: Familial hypertrophic cardiomyopathy 9. Identifiers: MedGen C1861065, MONDO:0013412, OMIM 613765.

Allele frequency attached by ClinVar (database versions not stated): ExAC 0.00005; gnomAD 0.00001 and 0.00002; TOPMed 0.00004.
gnomAD v4.1: 39 of 1,613,722 alleles (0.0024%); highest among the groups gnomAD compares: Admixed American, 0.012%; no homozygotes.

Submissions (6):

PreventionGenetics, part of Exact Sciences
Classification: Uncertain significance for TTN-related condition. Last evaluated: 2025-08-28. Review status: criteria provided, single submitter. Criteria: ACMG Guidelines, 2015. Collection method: clinical testing. Allele origin: germline.
Comment: The TTN c.104582G>A variant is predicted to result in the amino acid substitution p.Arg34861His. To our knowledge, this variant has not been reported in the literature. This variant is reported in 0.014% of alleles in individuals of Latino descent in gnomAD. At this time, the clinical significance of this variant is uncertain due to the absence of conclusive functional and genetic evidence.

Mayo Clinic Laboratories, Mayo Clinic
Classification: Uncertain significance. Last evaluated: 2024-07-17. Review status: criteria provided, single submitter. Criteria: ACMG Guidelines, 2015. Collection method: clinical testing. Allele origin: germline. Observed: 2 variant alleles.
Comment: BP4

CeGaT Center for Human Genetics Tuebingen
Classification: Uncertain significance. Last evaluated: 2023-08-01. Review status: criteria provided, single submitter. Criteria: CeGaT Center For Human Genetics Tuebingen Variant Classification Criteria Version 2. Collection method: clinical testing. Allele origin: germline. Affected: yes. Observed: 1 variant allele.
Comment: TTN: PM2, BP4

Fulgent Genetics
Classification: Uncertain significance for Tibial muscular dystrophy; Myopathy, myofibrillar, 9, with early respiratory failure; Dilated cardiomyopathy 1G; Autosomal recessive limb-girdle muscular dystrophy type 2J; Early-onset myopathy with fatal cardiomyopathy; Hypertrophic cardiomyopathy 9. Last evaluated: 2021-08-24. Review status: criteria provided, single submitter. Criteria: ACMG Guidelines, 2015. Collection method: clinical testing. Allele origin: unknown.

Ambry Genetics
Classification: Uncertain significance for Cardiovascular phenotype. Last evaluated: 2019-03-28. Review status: criteria provided, single submitter. Criteria: Ambry Variant Classification Scheme 2023. Collection method: clinical testing. Allele origin: germline.
Comment: The p.R25796H variant (also known as c.77387G>A), located in coding exon 185 of the TTN gene, results from a G to A substitution at nucleotide position 77387. The arginine at codon 25796 is replaced by histidine, an amino acid with highly similar properties. This amino acid position is not well conserved in available vertebrate species, and histidine is the reference amino acid in other vertebrate species. In addition, this alteration is predicted to be tolerated by in silico analysis. Since supporting evidence is limited at this time, the clinical significance of this alteration remains unclear.

Labcorp Genetics (formerly Invitae), Labcorp
Classification: Uncertain significance for Dilated cardiomyopathy 1G; Autosomal recessive limb-girdle muscular dystrophy type 2J. Last evaluated: 2017-11-14. Review status: criteria provided, single submitter. Criteria: Invitae Variant Classification Sherloc (09022015). Collection method: clinical testing. Allele origin: germline.

NM_001267550.2(TTN):c.104582G>A (p.Arg34861His)

Genes: TTN (titin; minus strand), TTN-AS1 (TTN antisense RNA 1; plus strand). Cytogenetic location: 2q31.2.
Variant type: single nucleotide variant.
Coding change: c.104582G>A on transcript NM_001267550.2 (MANE Select); coding-DNA position 104582, G replaced by A.
Protein change: p.Arg34861His; replaces arginine 34861 with histidine.
Molecular consequence: missense variant.
Genome position (GRCh38, 1-based): chr2:178,532,033, C>T on the plus strand (G>A on the coding strand, the complement: TTN is on the minus strand). VCF-style: chr2-178532033-C-T. GRCh37 (hg19) VCF-style: chr2-179396760-C-T.
Other names: p.Arg32293His; c.99659G>A, p.Arg33220His (NM_001256850.1); c.77387G>A, p.Arg25796His (NM_003319.4); c.96878G>A, p.Arg32293His (NM_133378.4); c.77762G>A, p.Arg25921His (NM_133432.3); c.77963G>A, p.Arg25988His (NM_133437.4); short protein forms R34861H, R25988H, R33220H, R25796H, R25921H, R32293H.
Identifiers: ClinVar variation 466731 (VCV000466731.32), dbSNP rs777774818, ClinGen allele CA1985396.